The following is an entry in ClinVar:

ClinVar aggregate classification (germline): Uncertain significance (1 of 4 stars; one submission).

Conditions:
Familial temporal lobe epilepsy 7. Identifiers: Orphanet 101046, MedGen C4225327, MONDO:0014639, OMIM 616436.
Norman-Roberts syndrome (LIS2). Also called: Lissencephaly 2 (Norman-Roberts type). Identifiers: Orphanet 89844, MedGen C0796089, MONDO:0009760, OMIM 257320.

Allele frequency attached by ClinVar (database versions not stated): gnomAD 0.00001; TOPMed 0.00001.

Submission:

Labcorp Genetics (formerly Invitae), Labcorp
Classification: Uncertain significance for Familial temporal lobe epilepsy 7; Norman-Roberts syndrome. Last evaluated: 2024-10-15. Review status: criteria provided, single submitter. Criteria: Invitae Variant Classification Sherloc (09022015). Collection method: clinical testing. Allele origin: germline.
Comment: This sequence change replaces lysine, which is basic and polar, with arginine, which is basic and polar, at codon 1692 of the RELN protein (p.Lys1692Arg). This variant is not present in population databases (gnomAD no frequency). This variant has not been reported in the literature in individuals affected with RELN-related conditions. ClinVar contains an entry for this variant (Variation ID: 1503451). Invitae Evidence Modeling of protein sequence and biophysical properties (such as structural, functional, and spatial information, amino acid conservation, physicochemical variation, residue mobility, and thermodynamic stability) indicates that this missense variant is not expected to disrupt RELN protein function with a negative predictive value of 80%. In summary, the available evidence is currently insufficient to determine the role of this variant in disease. Therefore, it has been classified as a Variant of Uncertain Significance.

NM_005045.4(RELN):c.5075A>G (p.Lys1692Arg)

Gene: RELN (reelin; minus strand). Cytogenetic location: 7q22.1.
Variant type: single nucleotide variant.
Coding change: c.5075A>G on transcript NM_005045.4 (MANE Select); coding-DNA position 5075, A replaced by G.
Protein change: p.Lys1692Arg; replaces lysine 1692 with arginine.
Molecular consequence: missense variant.
Genome position (GRCh38, 1-based): chr7:103,565,413, T>C on the plus strand (A>G on the coding strand, the complement: RELN is on the minus strand). VCF-style: chr7-103565413-T-C. GRCh37 (hg19) VCF-style: chr7-103205860-T-C.
Other names: c.5075A>G, p.Lys1692Arg (NM_173054.3); short protein forms K1692R.
Identifiers: ClinVar variation 1503451 (VCV001503451.6), dbSNP rs1001125058, ClinGen allele CA163913424.